The following is an entry in ClinVar:

NM_006892.4(DNMT3B):c.1354G>C (p.Gly452Arg)

Gene: DNMT3B (DNA methyltransferase 3 beta; plus strand). Cytogenetic location: 20q11.21.
Variant type: single nucleotide variant.
Coding change: c.1354G>C on transcript NM_006892.4 (MANE Select); coding-DNA position 1354, G replaced by C.
Protein change: p.Gly452Arg; replaces glycine 452 with arginine.
Molecular consequence: missense variant.
Genome position (GRCh38, 1-based): chr20:32,796,846, G>C. VCF-style: chr20-32796846-G-C. GRCh37 (hg19) VCF-style: chr20-31384652-G-C.
Other names: c.1168G>C, p.Gly390Arg (NM_001207055.2); c.1066G>C, p.Gly356Arg (NM_001207056.2); c.1294G>C, p.Gly432Arg (NM_175848.2, NM_175849.2); c.1330G>C, p.Gly444Arg (NM_175850.3); short protein forms G452R, G390R, G432R, G444R, G356R.
Identifiers: ClinVar variation 432791 (VCV000432791.4), dbSNP rs1555839317, ClinGen allele CA408585834.

ClinVar aggregate classification (germline): Uncertain significance. Review status: criteria provided, multiple submitters, no conflicts (2 of 4 stars). 2 submissions from 2 submitters: Uncertain significance (2). Last evaluated 2020-10-29.

Allele frequency attached by ClinVar (database versions not stated): gnomAD exomes below 0.00001.

Submissions (2):

Blueprint Genetics
Classification: Uncertain significance. Last evaluated: 2020-10-29. Review status: criteria provided, single submitter. Criteria: ACMG Guidelines, 2015. Collection method: clinical testing. Allele origin: germline.

GeneDx
Classification: Uncertain significance. Last evaluated: 2020-07-02. Review status: criteria provided, single submitter. Criteria: GeneDx Variant Classification Process June 2021. Collection method: clinical testing. Allele origin: germline. Affected: yes.
Comment: Not observed in large population cohorts (Lek et al., 2016); In silico analysis supports that this missense variant has a deleterious effect on protein structure/function; Has not been previously published as pathogenic or benign to our knowledge